The following is an entry in ClinVar:

ClinVar aggregate classification (germline): Benign/Likely benign. Review status: criteria provided, multiple submitters, no conflicts (2 of 4 stars). 4 submissions from 4 submitters: Benign (2); Likely benign (2). Last evaluated 2026-01-18.

Allele frequency attached by ClinVar (database versions not stated): 1000 Genomes Project 30x 0.00016; 1000 Genomes Project 0.00020; TOPMed 0.00049; gnomAD 0.00078 and 0.00081; gnomAD exomes 0.00084 and 0.00086; ExAC 0.00092; ESP Exome Variant Server 0.00115.
gnomAD v4.1: 1,349 of 1,613,272 alleles (0.084%); highest among the groups gnomAD compares: Middle Eastern, 0.18%; 3 homozygotes.

Submissions (4):

Labcorp Genetics (formerly Invitae), Labcorp
Classification: Benign. Last evaluated: 2026-01-18. Review status: criteria provided, single submitter. Criteria: Invitae Variant Classification Sherloc (09022015). Collection method: clinical testing. Allele origin: germline.

CeGaT Center for Human Genetics Tuebingen
Classification: Likely benign. Last evaluated: 2025-10-01. Review status: criteria provided, single submitter. Criteria: CeGaT Center For Human Genetics Tuebingen Variant Classification Criteria Version 2. Collection method: clinical testing. Allele origin: germline. Affected: yes. Observed: 2 variant alleles.
Comment: SLC6A19: BP4, BP7

Blueprint Genetics
Classification: Likely benign. Last evaluated: 2024-10-17. Review status: criteria provided, single submitter. Criteria: ACMG Guidelines, 2015. Collection method: clinical testing. Allele origin: germline.

Breakthrough Genomics
Classification: Benign. Review status: criteria provided, single submitter. Criteria: ACMG Guidelines, 2015. Collection method: not provided. Allele origin: germline. Inheritance: Autosomal recessive inheritance. Affected: yes.

NM_001003841.3(SLC6A19):c.276C>T (p.Ile92=)

Gene: SLC6A19 (solute carrier family 6 member 19; plus strand). Cytogenetic location: 5p15.33.
Variant type: single nucleotide variant.
Coding change: c.276C>T on transcript NM_001003841.3 (MANE Select); coding-DNA position 276, C replaced by T.
Protein change: p.Ile92=; no amino-acid change (isoleucine 92 retained).
Molecular consequence: synonymous variant.
Genome position (GRCh38, 1-based): chr5:1,208,819, C>T. VCF-style: chr5-1208819-C-T. GRCh37 (hg19) VCF-style: chr5-1208934-C-T.
Identifiers: ClinVar variation 733712 (VCV000733712.26), dbSNP rs146678323, ClinGen allele CA3182635.